The following is an entry in ClinVar:

NM_001492.6(GDF1):c.997G>A (p.Asp333Asn)

Genes: CERS1 (ceramide synthase 1; minus strand), GDF1 (growth differentiation factor 1; minus strand). Cytogenetic location: 19p13.11.
Variant type: single nucleotide variant.
Coding change: c.997G>A on transcript NM_001492.6 (MANE Select); coding-DNA position 997, G replaced by A.
Protein change: p.Asp333Asn; replaces aspartic acid 333 with asparagine.
Molecular consequence: missense variant. On other transcripts: 3 prime UTR variant (2).
Genome position (GRCh38, 1-based): chr19:18,868,719, C>T on the plus strand (G>A on the coding strand, the complement: GDF1 is on the minus strand). VCF-style: chr19-18868719-C-T. GRCh37 (hg19) VCF-style: chr19-18979528-C-T.
Other names: c.*1858G>A (NM_001387440.1); c.*1266G>A (NM_021267.5); c.997G>A, p.Asp333Asn (NM_001387438.1); short protein forms D333N.
Identifiers: ClinVar variation 1031988 (VCV001031988.1), dbSNP rs1429110767, ClinGen allele CA404861934.

ClinVar aggregate classification (germline): Uncertain significance (1 of 4 stars; one submission).

Conditions:
Congenital heart defects, multiple types, 6 (CHTD6). Identifiers: Orphanet 860, MedGen C3151221, MONDO:0013463, OMIM 613854.

Allele frequency attached by ClinVar (database versions not stated): gnomAD exomes below 0.00001; TOPMed below 0.00001; gnomAD 0.00001.
gnomAD v4.1: 8 of 1,541,452 alleles (0.00052%); highest among the groups gnomAD compares: African/African-American, 0.0014%; no homozygotes.

Submission:

Baylor Genetics
Classification: Uncertain significance for Congenital heart defects, multiple types, 6. Last evaluated: 2018-09-10. Review status: criteria provided, single submitter. Criteria: ACMG Guidelines, 2015. Collection method: clinical testing. Allele origin: paternal. Affected: yes.
Comment: This variant was determined to be of uncertain significance according to ACMG Guidelines, 2015 [PMID:25741868].